The following is an entry in ClinVar:

ClinVar aggregate classification (germline): Uncertain significance (1 of 4 stars; one submission).

Submission:

GeneDx
Classification: Uncertain significance. Last evaluated: 2023-03-21. Review status: criteria provided, single submitter. Criteria: GeneDx Variant Classification Process June 2021. Collection method: clinical testing. Allele origin: germline. Affected: yes.
Comment: Not observed at significant frequency in large population cohorts (gnomAD); In silico analysis supports that this missense variant does not alter protein structure/function; Has not been previously published as pathogenic or benign to our knowledge

NM_019066.5(MAGEL2):c.2408C>G (p.Ala803Gly)

Gene: MAGEL2 (MAGE family member L2; minus strand). Cytogenetic location: 15q11.2.
Variant type: single nucleotide variant.
Coding change: c.2408C>G on transcript NM_019066.5 (MANE Select); coding-DNA position 2408, C replaced by G.
Protein change: p.Ala803Gly; replaces alanine 803 with glycine.
Molecular consequence: missense variant.
Genome position (GRCh38, 1-based): chr15:23,645,335, G>C on the plus strand (C>G on the coding strand, the complement: MAGEL2 is on the minus strand). VCF-style: chr15-23645335-G-C. GRCh37 (hg19) VCF-style: chr15-23890482-G-C.
Other names: short protein forms A803G.
Identifiers: ClinVar variation 2580398 (VCV002580398.1), dbSNP rs371119917, ClinGen allele CA391331908.